The following is an entry in ClinVar:

ClinVar aggregate classification (germline): Uncertain significance (1 of 4 stars; one submission).

Allele frequency attached by ClinVar (database versions not stated): gnomAD exomes 0.00002; ExAC 0.00002.
gnomAD v4.1: 15 of 1,613,936 alleles (0.00093%); highest among the groups gnomAD compares: South Asian, 0.014%; no homozygotes.

Submission:

Laboratory for Molecular Medicine, Mass General Brigham Personalized Medicine
Classification: Uncertain significance. Last evaluated: 2013-11-19. Review status: criteria provided, single submitter. Criteria: LMM Criteria. Collection method: clinical testing. Allele origin: germline. Observed: 1 variant allele.
Comment: Variant classified as Uncertain Significance - Favor Benign. The 354+4G>C varian t in SLC17A8 has not been previously reported in individuals with hearing loss o r in large population studies. This variant is located in the 5' splice region but not in the invariant (+1/2) positions of the splice site consensus sequence and computational tools do not suggest and impact to splicing. However, this inf ormation is not predictive enough to rule out pathogenicity. In summary, the cli nical significance of this variant cannot be determined with certainty; however based upon the computational data, we would lean towards a more likely benign ro le.

NM_139319.3(SLC17A8):c.354+4G>C

Gene: SLC17A8 (solute carrier family 17 member 8; plus strand). Cytogenetic location: 12q23.1.
Variant type: single nucleotide variant.
Coding change: c.354+4G>C on transcript NM_139319.3 (MANE Select); 4 bases into the intron after coding-DNA position 354, G replaced by C.
Molecular consequence: intron variant.
Genome position (GRCh38, 1-based): chr12:100,380,957, G>C. VCF-style: chr12-100380957-G-C. GRCh37 (hg19) VCF-style: chr12-100774735-G-C.
Other names: c.354+4G>C (NM_001145288.2).
Identifiers: ClinVar variation 179403 (VCV000179403.5), dbSNP rs727504846, ClinGen allele CA184352.